The following is an entry in ClinVar:

ClinVar aggregate classification (germline): Uncertain significance. Review status: criteria provided, multiple submitters, no conflicts (2 of 4 stars). 3 submissions from 3 submitters: Uncertain significance (3). Last evaluated 2025-02-24.

Conditions:
Charcot-Marie-Tooth disease type 2. Also called: Charcot-Marie-Tooth type 2. Identifiers: Orphanet 64746, MedGen C0270914, MONDO:0018993.

gnomAD v4.1: 5 of 1,612,720 alleles (0.00031%); highest among the groups gnomAD compares: Non-Finnish European, 0.00034%; no homozygotes.

Submissions (3):

Ambry Genetics
Classification: Uncertain significance. Last evaluated: 2025-02-24. Review status: criteria provided, single submitter. Criteria: Ambry Variant Classification Scheme 2023. Collection method: clinical testing. Allele origin: germline.
Comment: The p.D231Y variant (also known as c.691G>T), located in coding exon 6 of the KIF1B gene, results from a G to T substitution at nucleotide position 691. The aspartic acid at codon 231 is replaced by tyrosine, an amino acid with highly dissimilar properties. This amino acid position is conserved. In addition, this alteration is predicted to be deleterious by in silico analysis. The evidence for this gene-disease relationship is limited; therefore, the clinical significance of this alteration is unclear.

Blueprint Genetics
Classification: Uncertain significance. Last evaluated: 2023-09-27. Review status: criteria provided, single submitter. Criteria: ACMG Guidelines, 2015. Collection method: clinical testing. Allele origin: germline.

Labcorp Genetics (formerly Invitae), Labcorp
Classification: Uncertain significance for Charcot-Marie-Tooth disease type 2. Last evaluated: 2022-03-30. Review status: criteria provided, single submitter. Criteria: Invitae Variant Classification Sherloc (09022015). Collection method: clinical testing. Allele origin: germline.
Comment: In summary, the available evidence is currently insufficient to determine the role of this variant in disease. Therefore, it has been classified as a Variant of Uncertain Significance. Algorithms developed to predict the effect of missense changes on protein structure and function are either unavailable or do not agree on the potential impact of this missense change (SIFT: "Deleterious"; PolyPhen-2: "Probably Damaging"; Align-GVGD: "Class C15"). This variant has not been reported in the literature in individuals affected with KIF1B-related conditions. This variant is not present in population databases (gnomAD no frequency). This sequence change replaces aspartic acid, which is acidic and polar, with tyrosine, which is neutral and polar, at codon 231 of the KIF1B protein (p.Asp231Tyr).

NM_001365951.3(KIF1B):c.691G>T (p.Asp231Tyr)

Gene: KIF1B (kinesin family member 1B; plus strand). Cytogenetic location: 1p36.22.
Variant type: single nucleotide variant.
Coding change: c.691G>T on transcript NM_001365951.3 (MANE Select); coding-DNA position 691, G replaced by T.
Protein change: p.Asp231Tyr; replaces aspartic acid 231 with tyrosine.
Molecular consequence: missense variant.
Genome position (GRCh38, 1-based): chr1:10,268,234, G>T. VCF-style: chr1-10268234-G-T. GRCh37 (hg19) VCF-style: chr1-10328292-G-T.
Other names: c.691G>T, p.Asp231Tyr (NM_001365952.1, NM_001365953.1, NM_015074.3 and 1 more transcripts); short protein forms D231Y.
Identifiers: ClinVar variation 1365291 (VCV001365291.9), dbSNP rs760067826, ClinGen allele CA338330584.